The following is an entry in ClinVar:

NM_000284.4(PDHA1):c.67G>A (p.Val23Met)

Gene: PDHA1 (pyruvate dehydrogenase E1 subunit alpha 1; plus strand). Cytogenetic location: Xp22.12.
Variant type: single nucleotide variant.
Coding change: c.67G>A on transcript NM_000284.4 (MANE Select); coding-DNA position 67, G replaced by A.
Protein change: p.Val23Met; replaces valine 23 with methionine.
Molecular consequence: missense variant.
Genome position (GRCh38, 1-based): chrX:19,349,321, G>A. VCF-style: chrX-19349321-G-A. GRCh37 (hg19) VCF-style: chrX-19367439-G-A.
Other names: c.181G>A, p.Val61Met (NM_001173454.2); c.67G>A, p.Val23Met (NM_001173455.2, NM_001173456.2); short protein forms V23M, V61M.
Identifiers: ClinVar variation 1722962 (VCV001722962.2), dbSNP rs2519338858, ClinGen allele CA412389307.

ClinVar aggregate classification (germline): Uncertain significance (1 of 4 stars; one submission).

gnomAD v4.1: 1 of 1,181,853 alleles (0.000085%); no homozygotes.

Submission:

GeneDx
Classification: Uncertain significance. Last evaluated: 2022-11-07. Review status: criteria provided, single submitter. Criteria: GeneDx Variant Classification Process June 2021. Collection method: clinical testing. Allele origin: germline. Affected: yes.
Comment: Not observed at significant frequency in large population cohorts (gnomAD); In silico analysis supports that this missense variant does not alter protein structure/function; Has not been previously published as pathogenic or benign to our knowledge